The following is an entry in ClinVar:

ClinVar aggregate classification (germline): Uncertain significance (1 of 4 stars; one submission).

Conditions:
Dilated cardiomyopathy 1DD (CMD1DD). Identifiers: Orphanet 154, MedGen C2750995, MONDO:0013168, OMIM 613172.

Allele frequency attached by ClinVar (database versions not stated): gnomAD exomes below 0.00001; gnomAD 0.00001.
gnomAD v4.1: 1 of 1,551,076 alleles (0.000064%); highest among the groups gnomAD compares: African/African-American, 0.0014%; no homozygotes.

Submission:

Labcorp Genetics (formerly Invitae), Labcorp
Classification: Uncertain significance for Dilated cardiomyopathy 1DD. Last evaluated: 2024-10-18. Review status: criteria provided, single submitter. Criteria: Invitae Variant Classification Sherloc (09022015). Collection method: clinical testing. Allele origin: germline.
Comment: This sequence change replaces tryptophan, which is neutral and slightly polar, with arginine, which is basic and polar, at codon 427 of the RBM20 protein (p.Trp427Arg). This variant is not present in population databases (gnomAD no frequency). This variant has not been reported in the literature in individuals affected with RBM20-related conditions. ClinVar contains an entry for this variant (Variation ID: 1407415). Invitae Evidence Modeling of protein sequence and biophysical properties (such as structural, functional, and spatial information, amino acid conservation, physicochemical variation, residue mobility, and thermodynamic stability) indicates that this missense variant is not expected to disrupt RBM20 protein function with a negative predictive value of 95%. In summary, the available evidence is currently insufficient to determine the role of this variant in disease. Therefore, it has been classified as a Variant of Uncertain Significance.

NM_001134363.3(RBM20):c.1279T>C (p.Trp427Arg)

Gene: RBM20 (RNA binding motif protein 20; plus strand). Cytogenetic location: 10q25.2.
Variant type: single nucleotide variant.
Coding change: c.1279T>C on transcript NM_001134363.3 (MANE Select); coding-DNA position 1279, T replaced by C.
Protein change: p.Trp427Arg; replaces tryptophan 427 with arginine.
Molecular consequence: missense variant.
Genome position (GRCh38, 1-based): chr10:110,783,369, T>C. VCF-style: chr10-110783369-T-C. GRCh37 (hg19) VCF-style: chr10-112543127-T-C.
Other names: short protein forms W427R.
Identifiers: ClinVar variation 1407415 (VCV001407415.8), dbSNP rs1844378725, ClinGen allele CA378386983.
Genomic context (GRCh38, chr10:110,783,369, plus strand): 5'-TTTGCCTTCCCATGGACTCAGTTCTACTTTGGTCACTTTTCTTTCCTTCTGACCTAGGAC[T>C]GGGAGCTGCATGTGAAAGGGAAGCTGCACGCTCAGAAATGCCTGGTCTTCTCTGAAAAGT-3'
Protein context (NP_001127835.2, residues 417-437): CDKKVFDLKD[Trp427Arg]ELHVKGKLHA